The following is an entry in ClinVar:

ClinVar aggregate classification (germline): Pathogenic (1 of 4 stars; one submission).

Conditions:
Distal myopathy with posterior leg and anterior hand involvement. Also called: WILLIAMS DISTAL MYOPATHY. Identifiers: Orphanet 63273, MedGen C3279722, MONDO:0013550, OMIM 614065.
Hypertrophic cardiomyopathy 26. Also called: Cardiomyopathy, familial hypertrophic, 26. Identifiers: Orphanet 75249, MedGen C4310749, MONDO:0014883, OMIM 617047.
Myofibrillar myopathy 5. Also called: Filaminopathy (type); FILAMINOPATHY, AUTOSOMAL DOMINANT. Identifiers: Orphanet 171445, MedGen C1836050, MONDO:0012289, OMIM 609524.

Submission:

Labcorp Genetics (formerly Invitae), Labcorp
Classification: Pathogenic for Distal myopathy with posterior leg and anterior hand involvement; Myofibrillar myopathy 5; Hypertrophic cardiomyopathy 26. Last evaluated: 2024-12-12. Review status: criteria provided, single submitter. Criteria: Invitae Variant Classification Sherloc (09022015). Collection method: clinical testing. Allele origin: germline.
Comment: This sequence change creates a premature translational stop signal (p.Val1682Glyfs*101) in the FLNC gene. It is expected to result in an absent or disrupted protein product. Loss-of-function variants in FLNC are known to be pathogenic (PMID: 27908349). This variant is not present in population databases (gnomAD no frequency). This variant has not been reported in the literature in individuals affected with FLNC-related conditions. Algorithms developed to predict the effect of sequence changes on RNA splicing suggest that this variant may create or strengthen a splice site. For these reasons, this variant has been classified as Pathogenic.

Literature cited by the submitters: PubMed 27908349.

NM_001458.5(FLNC):c.5045del (p.Val1682fs)

Gene: FLNC (filamin C; plus strand). Cytogenetic location: 7q32.1.
Variant type: Deletion.
Coding change: c.5045del on transcript NM_001458.5 (MANE Select); coding-DNA position 5045, one base deleted (T; older notation c.5045delT).
Protein change: p.Val1682fs; shifts the reading frame from valine 1682.
Molecular consequence: frameshift variant.
Genome position (GRCh38, 1-based): chr7:128,849,424, T deleted. VCF-style (leftmost placement, unchanged base first): chr7-128849423-GT-G. GRCh37 (hg19) VCF-style: chr7-128489477-GT-G.
Other names: c.5045del, p.Val1682fs (NM_001127487.2); short protein forms V1682fs.
Identifiers: ClinVar variation 3760037 (VCV003760037.2).